The following is an entry in ClinVar:

ClinVar aggregate classification (germline): Uncertain significance (1 of 4 stars; one submission).

Conditions:
Sifrim-Hitz-Weiss syndrome (SIHIWES). Also called: CHD4 Neurodevelopmental Disorder; SIFRIM-HITZ-WEISS MULTIPLE CONGENITAL ANOMALIES-MENTAL RETARDATION SYNDROME. Identifiers: Orphanet 653712, MedGen C4310688, MONDO:0014946, OMIM 617159.

Submission:

Victorian Clinical Genetics Services, Murdoch Childrens Research Institute
Classification: Uncertain significance for Sifrim-Hitz-Weiss syndrome. Last evaluated: 2020-05-21. Review status: criteria provided, single submitter. Criteria: ACMG Guidelines, 2015. Collection method: clinical testing. Allele origin: germline. Inheritance: Autosomal dominant inheritance. Affected: yes.
Comment: Based on the classification scheme VCGS_Germline_v1.1.1, this variant is classified as VUS-3C. Following criteria are met: 0102 - Loss-of-function is a known mechanism of disease for this gene. (N) 0107 - This gene is known to be associated with autosomal dominant disease. (N) 0200 - Variant is predicted to result in a missense amino acid change from serine to phenylalanine (exon 4). (N) 0251 - Variant is heterozygous. (N) 0301 - Variant is absent from gnomAD. (P) 0501 - Missense variant consistently predicted to be damaging by multiple in-silico tools or highly conserved with a major amino acid change. (P) 0604 - Variant is not located in an established domain, motif, hotspot or informative constraint region. (N) 0705 - No comparable variants have previous evidence for pathogenicity. (N) 0807 - Variant has not previously been reported in a clinical context. (N) 0905 - No segregation evidence has been identified for this variant. (N) 1007 - No published functional evidence has been identified for this variant. (N) Legend: (P) - Pathogenic, (N) - Neutral, (B) - Benign

NM_001273.5(CHD4):c.257C>T (p.Ser86Phe)

Gene: CHD4 (chromodomain helicase DNA binding protein 4; minus strand). Cytogenetic location: 12p13.31.
Variant type: single nucleotide variant.
Coding change: c.257C>T on transcript NM_001273.5 (MANE Select); coding-DNA position 257, C replaced by T.
Protein change: p.Ser86Phe; replaces serine 86 with phenylalanine.
Molecular consequence: missense variant.
Genome position (GRCh38, 1-based): chr12:6,602,141, G>A on the plus strand (C>T on the coding strand, the complement: CHD4 is on the minus strand). VCF-style: chr12-6602141-G-A. GRCh37 (hg19) VCF-style: chr12-6711307-G-A.
Other names: c.236C>T, p.Ser79Phe (NM_001297553.2); c.257C>T, p.Ser86Phe (NM_001363606.2); short protein forms S79F, S86F.
Identifiers: ClinVar variation 1805717 (VCV001805717.2), dbSNP rs2540415875, ClinGen allele CA383605050.